The following is an entry in ClinVar:

NM_001360.3(DHCR7):c.335C>T (p.Thr112Met)

Gene: DHCR7 (7-dehydrocholesterol reductase; minus strand). Cytogenetic location: 11q13.4.
Variant type: single nucleotide variant.
Coding change: c.335C>T on transcript NM_001360.3 (MANE Select); coding-DNA position 335, C replaced by T.
Protein change: p.Thr112Met; replaces threonine 112 with methionine.
Molecular consequence: missense variant.
Genome position (GRCh38, 1-based): chr11:71,442,340, G>A on the plus strand (C>T on the coding strand, the complement: DHCR7 is on the minus strand). VCF-style: chr11-71442340-G-A. GRCh37 (hg19) VCF-style: chr11-71153386-G-A.
Other names: c.335C>T, p.Thr112Met (NM_001425110.1, NM_001425111.1, NM_001425112.1 and 7 more transcripts); c.275C>T, p.Thr92Met (NM_001425113.1); c.239C>T, p.Thr80Met (NM_001425114.1, NM_001425116.1); c.161C>T, p.Thr54Met (NM_001425117.1); c.371C>T, p.Thr124Met (NM_001425108.1); short protein forms T112M, T92M, T124M, T54M, T80M.
Identifiers: ClinVar variation 3573986 (VCV003573986.4).

ClinVar aggregate classification (germline): Uncertain significance. Review status: criteria provided, multiple submitters, no conflicts (2 of 4 stars). 3 submissions from 3 submitters: Uncertain significance (3). Last evaluated 2025-03-17.

Conditions:
Smith-Lemli-Opitz syndrome (SLOS). Also called: LETHAL ACRODYSGENITAL SYNDROME; POLYDACTYLY, SEX REVERSAL, RENAL HYPOPLASIA, AND UNILOBAR LUNG; RSH SYNDROME; RUTLEDGE LETHAL MULTIPLE CONGENITAL ANOMALY SYNDROME; 7-Dehydrocholesterol reductase deficiency. Identifiers: Orphanet 818, MedGen C0175694, MONDO:0010035, OMIM 270400.

gnomAD v4.1: 16 of 1,613,600 alleles (0.00099%); highest among the groups gnomAD compares: Admixed American, 0.0083%; no homozygotes.

Submissions (3):

Labcorp Genetics (formerly Invitae), Labcorp
Classification: Uncertain significance for Smith-Lemli-Opitz syndrome. Last evaluated: 2025-03-17. Review status: criteria provided, single submitter. Criteria: Invitae Variant Classification Sherloc (09022015). Collection method: clinical testing. Allele origin: germline.
Comment: This sequence change replaces threonine, which is neutral and polar, with methionine, which is neutral and non-polar, at codon 112 of the DHCR7 protein (p.Thr112Met). This variant is present in population databases (rs770040020, gnomAD 0.009%). This variant has not been reported in the literature in individuals affected with DHCR7-related conditions. ClinVar contains an entry for this variant (Variation ID: 3573986). Invitae Evidence Modeling of protein sequence and biophysical properties (such as structural, functional, and spatial information, amino acid conservation, physicochemical variation, residue mobility, and thermodynamic stability) indicates that this missense variant is not expected to disrupt DHCR7 protein function with a negative predictive value of 95%. In summary, the available evidence is currently insufficient to determine the role of this variant in disease. Therefore, it has been classified as a Variant of Uncertain Significance.

GeneDx
Classification: Uncertain significance. Last evaluated: 2025-01-30. Review status: criteria provided, single submitter. Criteria: GeneDx Variant Classification Process June 2021. Collection method: clinical testing. Allele origin: germline. Affected: yes.
Comment: Not observed at significant frequency in large population cohorts (gnomAD); In silico analysis indicates that this missense variant does not alter protein structure/function; Has not been previously published as pathogenic or benign to our knowledge

Fulgent Genetics
Classification: Uncertain significance for Smith-Lemli-Opitz syndrome. Last evaluated: 2024-05-13. Review status: criteria provided, single submitter. Criteria: ACMG Guidelines, 2015. Collection method: clinical testing. Allele origin: germline.